The following is an entry in ClinVar:

ClinVar aggregate classification (germline): Uncertain significance (1 of 4 stars; one submission).

Conditions:
Familial cold autoinflammatory syndrome 3 (FCAS3). Also called: FAMILIAL ATYPICAL COLD URTICARIA; ANTIBODY DEFICIENCY AND IMMUNE DYSREGULATION, PLCG2-ASSOCIATED. Identifiers: Orphanet 300359, MedGen C3280914, MONDO:0013766, OMIM 614468.

Submission:

Labcorp Genetics (formerly Invitae), Labcorp
Classification: Uncertain significance for Familial cold autoinflammatory syndrome 3. Last evaluated: 2025-09-02. Review status: criteria provided, single submitter. Criteria: Invitae Variant Classification Sherloc (09022015). Collection method: clinical testing. Allele origin: germline.
Comment: This sequence change creates a premature translational stop signal (p.Leu318Cysfs*84) in the PLCG2 gene. It is expected to result in an absent or disrupted protein product. However, the current clinical and genetic evidence is not sufficient to establish whether loss-of-function variants in PLCG2 cause disease. This variant is not present in population databases (gnomAD no frequency). This variant has not been reported in the literature in individuals affected with PLCG2-related conditions. ClinVar contains an entry for this variant (Variation ID: 2000442). In summary, the available evidence is currently insufficient to determine the role of this variant in disease. Therefore, it has been classified as a Variant of Uncertain Significance.

NM_002661.5(PLCG2):c.952del (p.Leu318fs)

Gene: PLCG2 (phospholipase C gamma 2; plus strand). Cytogenetic location: 16q23.3.
Variant type: Deletion.
Coding change: c.952del on transcript NM_002661.5 (MANE Select); coding-DNA position 952, one base deleted (C; older notation c.952delC).
Protein change: p.Leu318fs; shifts the reading frame from leucine 318.
Molecular consequence: frameshift variant.
Genome position (GRCh38, 1-based): chr16:81,891,556, C deleted; the last of 5 consecutive C bases (chr16:81,891,552-81,891,556); deleting any one gives the same sequence. VCF-style (leftmost placement, unchanged base first): chr16-81891551-AC-A. GRCh37 (hg19) VCF-style: chr16-81925156-AC-A.
Other names: short protein forms L318fs.
Identifiers: ClinVar variation 2000442 (VCV002000442.4), dbSNP rs2507619088, ClinGen allele CA2580092172.
Genomic context (GRCh38, chr16:81,891,551, plus strand): 5'-CACGAGAAAACAGCATCTGGGATGAGAAGTATGACGCGGTGGACATGCAGGACATGAACA[AC>A]CCCCTGTCTCATTACTGGATCTCCTCGTCACATAACACGTGAGTTTCAGATGAGCCTGTG-3'